The following is an entry in ClinVar:

NM_007272.3(CTRC):c.256G>A (p.Val86Met)

Gene: CTRC (chymotrypsin C; plus strand). Cytogenetic location: 1p36.21.
Variant type: single nucleotide variant.
Coding change: c.256G>A on transcript NM_007272.3 (MANE Select); coding-DNA position 256, G replaced by A.
Protein change: p.Val86Met; replaces valine 86 with methionine.
Molecular consequence: missense variant.
Genome position (GRCh38, 1-based): chr1:15,442,472, G>A. VCF-style: chr1-15442472-G-A. GRCh37 (hg19) VCF-style: chr1-15768968-G-A.
Other names: short protein forms V86M.
Identifiers: ClinVar variation 654488 (VCV000654488.12), dbSNP rs367979183, ClinGen allele CA613299.
Genomic context (GRCh38, chr1:15,442,472, plus strand): 5'-GGGCCACCCTGACCTGGACCCCTTCCTCTGCCCAGCAACACCCGGACCTACCGTGTGGCC[G>A]TGGGAAAGAACAACCTGGAGGTGGAAGACGAAGAAGGATCCCTGTTTGTGGGTGTGGACA-3'
Protein context (NP_009203.2, residues 76-96): ISNTRTYRVA[Val86Met]GKNNLEVEDE

ClinVar aggregate classification (germline): Uncertain significance. Review status: criteria provided, multiple submitters, no conflicts (2 of 4 stars). 2 submissions from 2 submitters: Uncertain significance (2). Last evaluated 2025-08-02.

Conditions:
Hereditary pancreatitis (PCTT). Also called: Hereditary chronic pancreatitis; PRSS1-Related Hereditary Pancreatitis. Identifiers: Orphanet 676, MedGen C0238339, MONDO:0008185, OMIM 167800.

Allele frequency attached by ClinVar (database versions not stated): gnomAD exomes 0.00004; ExAC 0.00002; ESP Exome Variant Server 0.00008; gnomAD 0.00001; TOPMed 0.00001.
gnomAD v4.1: 27 of 1,613,904 alleles (0.0017%); highest among the groups gnomAD compares: Middle Eastern, 0.033%; no homozygotes.

Submissions (2):

Ambry Genetics
Classification: Uncertain significance for Hereditary pancreatitis. Last evaluated: 2025-08-02. Review status: criteria provided, single submitter. Criteria: Ambry Variant Classification Scheme 2023. Collection method: clinical testing. Allele origin: germline.

Labcorp Genetics (formerly Invitae), Labcorp
Classification: Uncertain significance for Hereditary pancreatitis. Last evaluated: 2025-07-27. Review status: criteria provided, single submitter. Criteria: Invitae Variant Classification Sherloc (09022015). Collection method: clinical testing. Allele origin: germline.
Comment: This sequence change replaces valine, which is neutral and non-polar, with methionine, which is neutral and non-polar, at codon 86 of the CTRC protein (p.Val86Met). This variant is present in population databases (rs367979183, gnomAD 0.01%). This variant has not been reported in the literature in individuals affected with CTRC-related conditions. ClinVar contains an entry for this variant (Variation ID: 654488). Invitae Evidence Modeling of protein sequence and biophysical properties (such as structural, functional, and spatial information, amino acid conservation, physicochemical variation, residue mobility, and thermodynamic stability) indicates that this missense variant is not expected to disrupt CTRC protein function with a negative predictive value of 95%. In summary, the available evidence is currently insufficient to determine the role of this variant in disease. Therefore, it has been classified as a Variant of Uncertain Significance.